The following is an entry in ClinVar:

ClinVar aggregate classification (germline): Pathogenic (1 of 4 stars; one submission).

Conditions:
Peroxisome biogenesis disorder. Identifiers: Orphanet 79189, MedGen C1832200, MONDO:0019234. Disease mechanism: loss of function.

Submission:

Myriad Genetics, Inc.
Classification: Pathogenic for Peroxisome biogenesis disorder. Last evaluated: 2023-12-19. Review status: criteria provided, single submitter. Criteria: Myriad Autosomal Dominant, Autosomal Recessive and X-Linked Classification Criteria (2023). Collection method: clinical testing. Allele origin: unknown.
Comment: NM_000288.3(PEX7):c.752C>A(S251*) is expected to be pathogenic in the context of PEX7-related disorders. This variant is predicted to lead to an abnormal or absent protein product due to the creation of a premature termination codon in PEX7, a gene where loss-of-function variants are known to be pathogenic. Please note: this variant was assessed in the context of healthy population screening.

NM_000288.4(PEX7):c.752C>A (p.Ser251Ter)

Gene: PEX7 (peroxisomal biogenesis factor 7; plus strand). Cytogenetic location: 6q23.3.
Variant type: single nucleotide variant.
Coding change: c.752C>A on transcript NM_000288.4 (MANE Select); coding-DNA position 752, C replaced by A.
Protein change: p.Ser251Ter; replaces serine 251 with a stop codon.
Molecular consequence: nonsense.
Genome position (GRCh38, 1-based): chr6:136,872,202, C>A. VCF-style: chr6-136872202-C-A. GRCh37 (hg19) VCF-style: chr6-137193340-C-A.
Other names: c.638C>A, p.Ser213Ter (NM_001410945.1); short protein forms S213*, S251*.
Identifiers: ClinVar variation 5012588 (VCV005012588.1).